The following is an entry in ClinVar:

ClinVar aggregate classification (germline): Uncertain significance (1 of 4 stars; one submission).

Conditions:
3-methylcrotonyl-CoA carboxylase 2 deficiency. Also called: METHYLCROTONYLGLYCINURIA, TYPE II; 3 alpha methylcrotonyl-CoA carboxylase 2 deficiency; 3 alpha methylcrotonylglycinuria 2; MCC 2 deficiency; Methylcrotonylglycinuria type 2. Identifiers: Orphanet 6, MedGen C1859499, MONDO:0008862, OMIM 210210.

Submission:

Labcorp Genetics (formerly Invitae), Labcorp
Classification: Uncertain significance for 3-methylcrotonyl-CoA carboxylase 2 deficiency. Last evaluated: 2023-06-23. Review status: criteria provided, single submitter. Criteria: Invitae Variant Classification Sherloc (09022015). Collection method: clinical testing. Allele origin: germline.
Comment: This sequence change replaces phenylalanine, which is neutral and non-polar, with serine, which is neutral and polar, at codon 185 of the MCCC2 protein (p.Phe185Ser). In summary, the available evidence is currently insufficient to determine the role of this variant in disease. Therefore, it has been classified as a Variant of Uncertain Significance. Advanced modeling of protein sequence and biophysical properties (such as structural, functional, and spatial information, amino acid conservation, physicochemical variation, residue mobility, and thermodynamic stability) performed at Invitae indicates that this missense variant is expected to disrupt MCCC2 protein function. This missense change has been observed in individual(s) with clinical features of 3 methylcrotonyl-CoA carboxylase deficiency (Invitae). In at least one individual the data is consistent with being in trans (on the opposite chromosome) from a pathogenic variant. This variant is not present in population databases (gnomAD no frequency).

NM_022132.5(MCCC2):c.554T>C (p.Phe185Ser)

Gene: MCCC2 (methylcrotonyl-CoA carboxylase subunit 2; plus strand). Cytogenetic location: 5q13.2.
Variant type: single nucleotide variant.
Coding change: c.554T>C on transcript NM_022132.5 (MANE Select); coding-DNA position 554, T replaced by C.
Protein change: p.Phe185Ser; replaces phenylalanine 185 with serine.
Molecular consequence: missense variant.
Genome position (GRCh38, 1-based): chr5:71,604,398, T>C. VCF-style: chr5-71604398-T-C. GRCh37 (hg19) VCF-style: chr5-70900225-T-C.
Other names: c.554T>C, p.Phe185Ser (NM_001363147.1); short protein forms F185S.
Identifiers: ClinVar variation 2865941 (VCV002865941.3), dbSNP rs2530740452, ClinGen allele CA360011827.
Genomic context (GRCh38, chr5:71,604,398, plus strand): 5'-CTCATTTCTTGTCTTCAGTTGATTCGGGAGGAGCATACTTACCTCGACAAGCAGATGTGT[T>C]TCCAGATCGAGACCACTTTGGCCGTACATTCTATAATCAGGCAATTATGTCTTCTAAAAA-3'
Protein context (NP_071415.1, residues 175-195): GAYLPRQADV[Phe185Ser]PDRDHFGRTF